The following is an entry in ClinVar:

NM_015672.2(RIMBP3):c.1981C>T (p.Leu661=)

Gene: RIMBP3 (RIMS binding protein 3; minus strand). Cytogenetic location: 22q11.21.
Variant type: single nucleotide variant.
Coding change: c.1981C>T on transcript NM_015672.2 (MANE Select); coding-DNA position 1981, C replaced by T.
Protein change: p.Leu661=; no amino-acid change (leucine 661 retained).
Molecular consequence: synonymous variant.
Genome position (GRCh38, 1-based): chr22:18,609,454, G>A on the plus strand (C>T on the coding strand, the complement: RIMBP3 is on the minus strand). VCF-style: chr22-18609454-G-A. GRCh37 (hg19) VCF-style: chr22-20459321-G-A.
Identifiers: ClinVar variation 2652885 (VCV002652885.24), dbSNP rs1312209420, ClinGen allele CA513713957.

ClinVar aggregate classification (germline): Likely benign (1 of 4 stars; one submission).

Allele frequency attached by ClinVar (database versions not stated): 1000 Genomes Project 30x 0.00187.

Submission:

CeGaT Center for Human Genetics Tuebingen
Classification: Likely benign. Last evaluated: 2022-11-01. Review status: criteria provided, single submitter. Criteria: CeGaT Center For Human Genetics Tuebingen Variant Classification Criteria Version 2. Collection method: clinical testing. Allele origin: germline. Affected: yes. Observed: 1 variant allele.
Comment: RIMBP3: BP4, BP7, BS2